The following is an entry in ClinVar:

ClinVar aggregate classification (germline): Likely benign. Review status: criteria provided, multiple submitters, no conflicts (2 of 4 stars). 2 submissions from 2 submitters: Likely benign (2). Last evaluated 2025-04-22.

Conditions:
Hajdu-Cheney syndrome (HJCYS). Also called: Acroosteolysis dominant type; SERPENTINE FIBULA-POLYCYSTIC KIDNEY SYNDROME; ACROOSTEOLYSIS WITH OSTEOPOROSIS AND CHANGES IN SKULL AND MANDIBLE. Identifiers: Orphanet 955, MedGen C0917715, MONDO:0007057, OMIM 102500.
NOTCH2-related disorder. Also called: NOTCH2-related condition.

Allele frequency attached by ClinVar (database versions not stated): gnomAD exomes 0.00002.
gnomAD v4.1: 22 of 1,614,148 alleles (0.0014%); highest among the groups gnomAD compares: East Asian, 0.0022%; no homozygotes.

Submissions (2):

Labcorp Genetics (formerly Invitae), Labcorp
Classification: Likely benign for Hajdu-Cheney syndrome. Last evaluated: 2025-04-22. Review status: criteria provided, single submitter. Criteria: Invitae Variant Classification Sherloc (09022015). Collection method: clinical testing. Allele origin: germline.

PreventionGenetics, part of Exact Sciences
Classification: Likely benign for NOTCH2-related condition. Last evaluated: 2024-10-18. Review status: criteria provided, single submitter. Criteria: ACMG Guidelines, 2015. Collection method: clinical testing. Allele origin: germline.
Comment: This variant is classified as likely benign based on ACMG/AMP sequence variant interpretation guidelines (Richards et al. 2015 PMID: 25741868, with internal and published modifications).

NM_024408.4(NOTCH2):c.1854C>T (p.Asn618=)

Gene: NOTCH2 (notch receptor 2; minus strand). Cytogenetic location: 1p12.
Variant type: single nucleotide variant.
Coding change: c.1854C>T on transcript NM_024408.4 (MANE Select); coding-DNA position 1854, C replaced by T.
Protein change: p.Asn618=; no amino-acid change (asparagine 618 retained).
Molecular consequence: synonymous variant.
Genome position (GRCh38, 1-based): chr1:119,963,635, G>A on the plus strand (C>T on the coding strand, the complement: NOTCH2 is on the minus strand). VCF-style: chr1-119963635-G-A. GRCh37 (hg19) VCF-style: chr1-120506258-G-A.
Other names: c.1854C>T, p.Asn618= (NM_001200001.2); c.1854C>T (NM_024408.3).
Identifiers: ClinVar variation 1989277 (VCV001989277.5), dbSNP rs1257603365, ClinGen allele CA420033856.